The following is an entry in ClinVar:

ClinVar aggregate classification (germline): Uncertain significance. Review status: criteria provided, multiple submitters, no conflicts (2 of 4 stars). 3 submissions from 3 submitters: Uncertain significance (3). Last evaluated 2025-03-17.

Conditions:
Lethal acantholytic epidermolysis bullosa (EBLA). Identifiers: Orphanet 158687, MedGen C1864826, MONDO:0012323, OMIM 609638.
Arrhythmogenic cardiomyopathy with wooly hair and keratoderma. Also called: PALMOPLANTAR KERATODERMA WITH LEFT VENTRICULAR CARDIOMYOPATHY AND WOOLLY HAIR; Arrhythmogenic cardiomyopathy with woolly hair and keratoderma; Dilated cardiomyopathy with woolly hair and keratoderma; Carvajal syndrome. Identifiers: Orphanet 65282, MedGen C1854063, MONDO:0011581, OMIM 605676.
Keratosis palmoplantaris striata 2. Also called: Keratosis palmoplantaris striata II; KERATODERMA, PALMOPLANTAR, STRIATE FORM II; STRIATE PALMOPLANTAR KERATODERMA II. Identifiers: MedGen C1852127, MONDO:0013034, OMIM 612908.
Woolly hair-skin fragility syndrome (WHSF). Identifiers: Orphanet 293165, MedGen C1843292, MONDO:0957307, OMIM 620415.
Arrhythmogenic right ventricular dysplasia 8 (ARVD8). Also called: ARRHYTHMOGENIC RIGHT VENTRICULAR CARDIOMYOPATHY 8; ARRHYTHMOGENIC RIGHT VENTRICULAR DYSPLASIA, FAMILIAL, 8; Arrhythmogenic Right Ventricular Dysplasia/Cardiomyopathy 8. Identifiers: MedGen C1843896, MONDO:0011831, OMIM 607450.
Cardiomyopathy, dilated, with wooly hair, keratoderma, and tooth agenesis. Also called: Cardiomyopathy, dilated, with woolly hair, keratoderma, and tooth agenesis; Erythrokeratodermia-cardiomyopathy syndrome. Identifiers: Orphanet 476096, Orphanet 65282, MedGen C4014393, MONDO:0014355, OMIM 615821.
Cardiovascular phenotype. Identifiers: MedGen CN230736.

Submissions (3):

Labcorp Genetics (formerly Invitae), Labcorp
Classification: Uncertain significance for Arrhythmogenic cardiomyopathy with wooly hair and keratoderma; Arrhythmogenic right ventricular dysplasia 8. Last evaluated: 2025-03-17. Review status: criteria provided, single submitter. Criteria: Invitae Variant Classification Sherloc (09022015). Collection method: clinical testing. Allele origin: germline.
Comment: This sequence change replaces leucine, which is neutral and non-polar, with arginine, which is basic and polar, at codon 622 of the DSP protein (p.Leu622Arg). This variant is not present in population databases (gnomAD no frequency). This variant has not been reported in the literature in individuals affected with DSP-related conditions. ClinVar contains an entry for this variant (Variation ID: 519064). An algorithm developed to predict the effect of missense changes on protein structure and function (PolyPhen-2) suggests that this variant is likely to be disruptive. This variant disrupts the p.Leu622 amino acid residue in DSP. Other variant(s) that disrupt this residue have been determined to be pathogenic (PMID: 26604139, 26833927). This suggests that this residue is clinically significant, and that variants that disrupt this residue are likely to be disease-causing. In summary, the available evidence is currently insufficient to determine the role of this variant in disease. Therefore, it has been classified as a Variant of Uncertain Significance.

Fulgent Genetics
Classification: Uncertain significance for Arrhythmogenic cardiomyopathy with wooly hair and keratoderma; Arrhythmogenic right ventricular dysplasia 8; Lethal acantholytic epidermolysis bullosa; Keratosis palmoplantaris striata 2; Cardiomyopathy, dilated, with wooly hair, keratoderma, and tooth agenesis. Last evaluated: 2018-10-31. Review status: criteria provided, single submitter. Criteria: ACMG Guidelines, 2015. Collection method: clinical testing. Allele origin: unknown.

Ambry Genetics
Classification: Uncertain significance for Cardiovascular phenotype. Last evaluated: 2016-12-15. Review status: criteria provided, single submitter. Criteria: Ambry Variant Classification Scheme 2023. Collection method: clinical testing. Allele origin: germline.
Comment: The p.L622R variant (also known as c.1865T>G), located in coding exon 14 of the DSP gene, results from a T to G substitution at nucleotide position 1865. The leucine at codon 622 is replaced by arginine, an amino acid with dissimilar properties. An alternate substitution at this position p.L622P (c.1865T>C) has been reported as de novo in one individual with Carvajal syndrome and another individual with erythrokeratodermia-cardiomyopathy (EKC) syndrome, both of whom also showed symptoms of dilated cardiomyopathy; however, proline has been identified as a strong alpha-helix breaker and is more likely to disrupt the conserved helical structure of spectrin repeat 6 than the current arginine substitution (Bitar F et al. J Eur Acad Dermatol Venereol, 2016 Dec;30:e217-e219; Boyden LM et al. Hum. Mol. Genet., 2016 Jan;25:348-57). This amino acid position is highly conserved in available vertebrate species. In addition, this alteration is predicted to be deleterious by in silico analysis. Since supporting evidence is limited at this time, the clinical significance of this alteration remains unclear.

Literature cited by the submitters: PubMed 26604139 (cited by Labcorp Genetics (formerly Invitae), Labcorp and Ambry Genetics); PubMed 26833927 (cited by Labcorp Genetics (formerly Invitae), Labcorp and Ambry Genetics).

NM_004415.4(DSP):c.1865T>G (p.Leu622Arg)

Gene: DSP (desmoplakin; plus strand). Cytogenetic location: 6p24.3.
Variant type: single nucleotide variant.
Coding change: c.1865T>G on transcript NM_004415.4 (MANE Select); coding-DNA position 1865, T replaced by G.
Protein change: p.Leu622Arg; replaces leucine 622 with arginine.
Molecular consequence: missense variant.
Genome position (GRCh38, 1-based): chr6:7,571,546, T>G. VCF-style: chr6-7571546-T-G. GRCh37 (hg19) VCF-style: chr6-7571779-T-G.
Other names: c.1865T>G (LRG_423t1); c.1865T>G, p.Leu622Arg (NM_001008844.3, NM_001319034.2); short protein forms L622R.
Identifiers: ClinVar variation 519064 (VCV000519064.7), dbSNP rs1554107098, ClinGen allele CA362679640.
Genomic context (GRCh38, chr6:7,571,546, plus strand): 5'-ATGATGACAAGCGGAAAATACAGTCTCAGTTCACCGATGCCCAGAAGCATTACCAGACCC[T>G]GGTCATTCAGCTCCCTGGCTATCCCCAGCACCAGACAGGTCGGCTTGGGACATCTTTCTC-3'
Protein context (NP_004406.2, residues 612-632): FTDAQKHYQT[Leu622Arg]VIQLPGYPQH